The following is an entry in ClinVar:

ClinVar aggregate classification (germline): Pathogenic (1 of 4 stars; one submission).

Conditions:
Myofibrillar myopathy 5. Also called: Filaminopathy (type); FILAMINOPATHY, AUTOSOMAL DOMINANT. Identifiers: Orphanet 171445, MedGen C1836050, MONDO:0012289, OMIM 609524.
Hypertrophic cardiomyopathy 26. Also called: Cardiomyopathy, familial hypertrophic, 26. Identifiers: Orphanet 75249, MedGen C4310749, MONDO:0014883, OMIM 617047.
Distal myopathy with posterior leg and anterior hand involvement. Also called: WILLIAMS DISTAL MYOPATHY. Identifiers: Orphanet 63273, MedGen C3279722, MONDO:0013550, OMIM 614065.

Submission:

Labcorp Genetics (formerly Invitae), Labcorp
Classification: Pathogenic for Distal myopathy with posterior leg and anterior hand involvement; Myofibrillar myopathy 5; Hypertrophic cardiomyopathy 26. Last evaluated: 2023-02-24. Review status: criteria provided, single submitter. Criteria: Invitae Variant Classification Sherloc (09022015). Collection method: clinical testing. Allele origin: germline.
Comment: This sequence change creates a premature translational stop signal (p.Glu2244Aspfs*57) in the FLNC gene. It is expected to result in an absent or disrupted protein product. Loss-of-function variants in FLNC are known to be pathogenic (PMID: 27908349). For these reasons, this variant has been classified as Pathogenic. Algorithms developed to predict the effect of sequence changes on RNA splicing suggest that this variant may disrupt the consensus splice site. This variant has not been reported in the literature in individuals affected with FLNC-related conditions. This variant is not present in population databases (gnomAD no frequency).

Literature cited by the submitters: PubMed 27908349.

NC_000007.14:g.128854417_128854448del

Genes: FLNC-AS1 (FLNC antisense RNA 1; minus strand), FLNC (filamin C; plus strand). Cytogenetic location: 7q32.1.
Variant type: Deletion.
Genome position: GRCh38: chr7:128,854,417-128,854,448. GRCh37 (hg19): chr7:128,494,471-128,494,502.
Identifiers: ClinVar variation 2944666 (VCV002944666.3), ClinGen allele CA2740094873.